The following is an entry in ClinVar:

NM_170707.4(LMNA):c.1422_1424dup (p.Gly474_Asp475insGlu)

Gene: LMNA (lamin A/C; plus strand). Cytogenetic location: 1q22.
Variant type: Duplication.
Coding change: c.1422_1424dup on transcript NM_170707.4 (MANE Select); coding-DNA positions 1422 to 1424, 3 bases duplicated (AGA; older notation c.1422_1424dupAGA).
Protein change: p.Gly474_Asp475insGlu.
Molecular consequence: inframe insertion.
Genome position (GRCh38, 1-based): chr1:156,136,962-156,136,964, AGA duplicated. VCF-style (leftmost placement, unchanged base first): chr1-156136961-G-GAGA. GRCh37 (hg19) VCF-style: chr1-156106752-G-GAGA.
Other names: c.1422_1424dupAGA (NM_005572.3, NM_170707.2, NM_170707.3); c.1086_1088dup, p.Gly362_Asp363insGlu (NM_001257374.3); c.1179_1181dup, p.Gly393_Asp394insGlu (NM_001282624.2); c.1422_1424dup, p.Gly474_Asp475insGlu (NM_001282625.2, NM_001282626.2, NM_005572.4 and 1 more transcripts).
Identifiers: ClinVar variation 95287 (VCV000095287.25), dbSNP rs267607579, ClinGen allele CA017229.

ClinVar aggregate classification (germline): Uncertain significance. Review status: criteria provided, multiple submitters, no conflicts (2 of 4 stars). 8 submissions from 8 submitters: Uncertain significance (7). 1 of the submissions does not count toward it. Last evaluated 2026-04-06.

Conditions:
Cardiovascular phenotype. Identifiers: MedGen CN230736.
LMNA-related disorder. Also called: LMNA-related disorders; LMNA-related condition; LMNA-related disease. Identifiers: MedGen CN380145.
Charcot-Marie-Tooth disease type 2. Also called: Charcot-Marie-Tooth type 2. Identifiers: Orphanet 64746, MedGen C0270914, MONDO:0018993.
Cardiomyopathy (CMYO). Also called: Cardiomyopathies. Identifiers: Orphanet 167848, MedGen C0878544, MONDO:0004994, HP:0001638. Inheritance: Various modes of inheritance.
Primary dilated cardiomyopathy (DCM). Also called: Dilated Cardiomyopathy. Identifiers: Orphanet 217604, MedGen C0007193, MeSH D002311, MONDO:0005021, HP:0001644. Inheritance: Various modes of inheritance.

Allele frequency attached by ClinVar (database versions not stated): gnomAD exomes below 0.00001; TOPMed below 0.00001.

Submissions (8):

PreventionGenetics, part of Exact Sciences
Classification: Uncertain significance for LMNA-related condition. Last evaluated: 2026-04-06. Review status: criteria provided, single submitter. Criteria: ACMG Guidelines, 2015. Collection method: clinical testing. Allele origin: germline.
Comment: The LMNA c.1422_1424dupAGA variant is predicted to result in an in-frame duplication (p.Gly474_Asp475insGlu). This variant has been reported in an individual with dilated cardiomyopathy (described as 1424_1425insAGA, Parks et al. 2008. PubMed ID: 18585512). This variant has also been reported in an individual with limb-girdle muscular dystrophy; however, it was not found to segregate with disease in the family. In addition, an alternate molecular basis for disease was identified in the family (Family 1 in Supplementary Data 1, Morales-Rosado et al. 2023. PubMed ID: 37167966). This variant has not been reported in a large population database (gnomAD), indicating this variant is rare. At this time, the clinical significance of this variant is uncertain due to the absence of conclusive functional and genetic evidence.

Ambry Genetics
Classification: Uncertain significance for Cardiovascular phenotype. Last evaluated: 2025-07-07. Review status: criteria provided, single submitter. Criteria: Ambry Variant Classification Scheme 2023. Collection method: clinical testing. Allele origin: germline.
Comment: The c.1422_1424dupAGA variant (also known as p.G474_D475insE), located in coding exon 8 of the LMNA gene, results from an in-frame duplication of AGA at nucleotide positions 1422 to 1424. This results in the duplication of 2 extra residues (-) between codons 474 and 475. This variant was reported (as c.1424_1425insAGA) in a dilated cardiomyopathy (DCM) case with limited clinical details provided (Parks SB et al. Am. Heart J., 2008 Jul;156:161-9). This variant was also reported in a DCM cohort (Hershberger RE et al. Circ Cardiovasc Genet, 2010 Apr;3:155-61). This amino acid region ranges from highly conserved to not well conserved in available vertebrate species. In addition, the in silico prediction for this variant is inconclusive (Choi Y et al. PLoS ONE. 2012; 7(10):e46688). Based on the available evidence, the clinical significance of this variant remains unclear.

All of Us Research Program, National Institutes of Health
Classification: Uncertain significance for Primary dilated cardiomyopathy. Last evaluated: 2024-05-30. Review status: criteria provided, single submitter. Criteria: ACMG Guidelines, 2015. Collection method: clinical testing. Allele origin: germline. Inheritance: Autosomal dominant inheritance. Observed: 2 variant alleles, 2 heterozygotes.
Comment: Variant of Uncertain Significance due to insufficient evidence: This variant insert glutamate between codons 474 and 475 in the lamin tail domain of the LMNA protein. Computational splicing tools suggest that this variant may not impact RNA splicing. To our knowledge, functional assays have not been performed for this variant. This variant has been reported in an individual affected with dilated cardiomyopathy (PMID: 18585512). This variant is rare in the general population and has been identified in 0/277264 chromosomes by the Genome Aggregation Database (gnomAD). Available evidence is insufficient to determine the pathogenicity of this variant conclusively.

This study involves interpretation of variants in research participants for the purpose of population health screening. Participant phenotype was not available at the time of variant classification. Additional details can be found in publication PMID: 35346344, PMCID: PMC8962531

Color Diagnostics, LLC DBA Color Health
Classification: Uncertain significance for Cardiomyopathy. Last evaluated: 2024-05-16. Review status: criteria provided, single submitter. Criteria: ACMG Guidelines, 2015. Collection method: clinical testing. Allele origin: germline.
Comment: This variant causes an in-frame insertion of one amino acid of the LMNA protein. To our knowledge, functional studies have not been reported for this variant. This variant not been reported in one individual affected with dilated cardiomyopathy (PMID: 18585512). This variant has not been identified in the general population by the Genome Aggregation Database (gnomAD). The available evidence is insufficient to determine the role of this variant in disease conclusively. Therefore, this variant is classified as a Variant of Uncertain Significance.

Labcorp Genetics (formerly Invitae), Labcorp
Classification: Uncertain significance for Charcot-Marie-Tooth disease type 2. Last evaluated: 2022-04-25. Review status: criteria provided, single submitter. Criteria: Invitae Variant Classification Sherloc (09022015). Collection method: clinical testing. Allele origin: germline.
Comment: This variant, c.1422_1424dup, results in the insertion of 1 amino acid(s) of the LMNA protein (p.Gly474_Asp475insGlu), but otherwise preserves the integrity of the reading frame. This variant is not present in population databases (gnomAD no frequency). This variant has been observed in individuals with dilated cardiomyopathy and in an individual affected with limb-girdle muscular dystrophy (PMID: 18585512; Invitae). This variant is also known as c.1424_1425insAGA. ClinVar contains an entry for this variant (Variation ID: 95287). Experimental studies and prediction algorithms are not available or were not evaluated, and the functional significance of this variant is currently unknown. In summary, the available evidence is currently insufficient to determine the role of this variant in disease. Therefore, it has been classified as a Variant of Uncertain Significance.

Revvity Omics, Revvity
Classification: Uncertain significance. Last evaluated: 2020-12-01. Review status: criteria provided, single submitter. Criteria: ACMG Guidelines, 2015. Collection method: clinical testing. Allele origin: germline.

Eurofins Ntd Llc (ga)
Classification: Uncertain significance. Last evaluated: 2013-03-06. Review status: criteria provided, single submitter. Criteria: EGL Classification Definitions. Collection method: clinical testing. Allele origin: germline. Observed: 1 variant allele, 1 heterozygote.

Epithelial Biology;  Institute of Medical Biology, Singapore
No classification provided. Review status: no classification provided. Collection method: not provided. Allele origin: not provided. Not counted in ClinVar's aggregate classification.

Literature cited by the submitters: PubMed 18585512 (cited by 4 submitters); PubMed 20215591 (cited by Ambry Genetics); PubMed 23757202 (cited by Eurofins Ntd Llc (ga)).